The following is an entry in ClinVar:

NM_000834.5(GRIN2B):c.1439_1446del (p.Leu480fs)

Gene: GRIN2B (glutamate ionotropic receptor NMDA type subunit 2B; minus strand). Cytogenetic location: 12p13.1.
Variant type: Deletion.
Coding change: c.1439_1446del on transcript NM_000834.5 (MANE Select); coding-DNA positions 1439 to 1446, 8 bases deleted (TGGTTACC; older notation c.1439_1446delTGGTTACC).
Protein change: p.Leu480fs; shifts the reading frame from leucine 480.
Molecular consequence: frameshift variant.
Genome position (GRCh38, 1-based): chr12:13,615,547-13,615,554, GGTAACCA deleted on the plus strand (TGGTTACC on the coding strand, the reverse complement: GRIN2B is on the minus strand); deleting any 8 consecutive bases within chr12:13,615,547-13,615,559 gives the same sequence; the c. name uses the placement nearest the transcript's 3' end. VCF-style (leftmost placement, unchanged base first): chr12-13615546-TGGTAACCA-T. GRCh37 (hg19) VCF-style: chr12-13768480-TGGTAACCA-T.
Other names: short protein forms L480fs.
Identifiers: ClinVar variation 916029 (VCV000916029.3), dbSNP rs1949426932, ClinGen allele CA1139662530.
Genomic context (GRCh38, chr12:13,615,546, plus strand): 5'-CACTCACCTCTCCAATCATACCATTCCAGGTTCCATTGATTTTCTTCCCATGCTTGCCAT[TGGTAACCA>T]GGTAAAGGTCATAGGTGAACTTCACAGATTTAGAAATTTTCTTAAGGATGTCAATACAGA-3'

ClinVar aggregate classification (germline): Pathogenic (1 of 4 stars; one submission).

Conditions:
Hypotonia. Also called: Muscular hypotonia; poor muscle tone. Identifiers: MedGen C0026827, HP:0001252.
Sleep disturbance. Also called: sleep difficulties. Identifiers: MedGen C0037317, HP:0002360.
Atypical behavior. Also called: Behavioral disorders; Behavioral abnormality. Identifiers: MedGen C0004941, HP:0000708.
Self-injurious behavior. Identifiers: MedGen C0085271, HP:0100716.
Microcephaly. Also called: Microcephaly (disease). Identifiers: MedGen C4551563, MONDO:0001149, HP:0000252.
Intellectual disability. Also called: Intellectual functioning disability; Intellectual developmental disorder; intellectual disabilities. Identifiers: MedGen C3714756, MeSH D008607, MONDO:0001071, HP:0001249.
Intellectual developmental disorder, autosomal dominant 6, with or without seizures. Also called: GRIN2B-related developmental delay, intellectual disability and autism spectrum disorder; Intellectual disability, autosomal dominant 6. Identifiers: Orphanet 589547, MedGen C3151411, MONDO:0013509, OMIM 613970.

Submission:

Institute for Genomic Statistics and Bioinformatics, University Hospital Bonn
Classification: Pathogenic for Hypotonia; Microcephaly; Sleep disturbance; Self-injurious behavior; Atypical behavior; Intellectual developmental disorder, autosomal dominant 6, with or without seizures; Intellectual disability. Last evaluated: 2019-12-12. Review status: criteria provided, single submitter. Criteria: ACMG Guidelines, 2015. Collection method: clinical testing. Allele origin: de novo. Inheritance: Autosomal dominant inheritance. Affected: yes. Observed: 1 heterozygote.
Comment: This mutation leads to a shift in the reading frame and, after 34 incorrect amino acids, to a premature stop codon. This variant could not be demonstrated in the parents. In phenotype-related and population-related databases, the above-mentioned variant is not listed.